The following is an entry in ClinVar:

NM_170682.4(P2RX2):c.999C>T (p.Ala333=)

Gene: P2RX2 (purinergic receptor P2X 2; plus strand). Cytogenetic location: 12q24.33.
Variant type: single nucleotide variant.
Coding change: c.999C>T on transcript NM_170682.4 (MANE Select); coding-DNA position 999, C replaced by T.
Protein change: p.Ala333=; no amino-acid change (alanine 333 retained).
Molecular consequence: synonymous variant. On other transcripts: missense variant (1).
Genome position (GRCh38, 1-based): chr12:132,621,477, C>T. VCF-style: chr12-132621477-C-T. GRCh37 (hg19) VCF-style: chr12-133198063-C-T.
Other names: c.897C>T, p.Ala299= (NM_001282164.2); c.1018C>T, p.Arg340Trp (NM_001282165.2); c.783C>T, p.Ala261= (NM_012226.5); c.927C>T, p.Ala309= (NM_016318.4); c.999C>T, p.Ala333= (NM_170683.4, NM_174873.3); c.723C>T, p.Ala241= (NM_174872.3); c.1018C>T (NM_001282165.1); short protein forms R340W.
Identifiers: ClinVar variation 4887797 (VCV004887797.2).

ClinVar aggregate classification (germline): Uncertain significance. Review status: criteria provided, multiple submitters, no conflicts (2 of 4 stars). 2 submissions from 2 submitters: Uncertain significance (2). Last evaluated 2026-06-19.

Conditions:
P2RX2-related disorder. Also called: P2RX2-related condition.

gnomAD v4.1: 16 of 1,565,790 alleles (0.001%); highest among the groups gnomAD compares: Middle Eastern, 0.017%; no homozygotes.

Submissions (2):

Women's Health and Genetics/Laboratory Corporation of America, LabCorp
Classification: Uncertain significance. Last evaluated: 2026-06-19. Review status: criteria provided, single submitter. Criteria: LabCorp Variant Classification Summary - May 2015. Collection method: clinical testing. Allele origin: germline.
Comment: Variant summary: P2RX2 c.999C>T (p.Ala333Ala) alters a conserved nucleotide located close to a canonical splice site and therefore could affect mRNA splicing, leading to a significantly altered protein sequence. Consensus agreement among computation tools predict no significant impact on normal splicing. However, these predictions have yet to be confirmed by functional studies. The variant allele was found at a frequency of 1.4e-05 in 213516 control chromosomes. The available data on variant occurrences in the general population are insufficient to allow any conclusion about variant significance. To our knowledge, no occurrence of c.999C>T in individuals affected with P2RX2-related conditions and no experimental evidence demonstrating its impact on protein function have been reported. No submitters have cited clinical-significance assessments for this variant to ClinVar. Based on the evidence outlined above, the variant was classified as uncertain significance.

PreventionGenetics, part of Exact Sciences
Classification: Uncertain significance for P2RX2-related condition. Last evaluated: 2025-11-22. Review status: criteria provided, single submitter. Criteria: ACMG Guidelines, 2015. Collection method: clinical testing. Allele origin: germline.
Comment: The P2RX2 c.1018C>T variant is predicted to result in the amino acid substitution p.Arg340Trp. This variant in synonymous in alternative transcript NM_174873:c.999C>T (p.=) and is NOT predicted to alter splicing based on available splicing prediction software (SpliceAI, Jaganathan et al. 2019. PubMed ID: 30661751). This variant has not been reported in P2RX2 associated disorder. This variant is reported in 0.0067% of alleles in individuals of Latino descent in gnomAD. At this time, the clinical significance of this variant is uncertain due to the absence of conclusive functional and genetic evidence.